The following is an entry in ClinVar:

ClinVar aggregate classification (germline): Uncertain significance (1 of 4 stars; one submission).

Submission:

Labcorp Genetics (formerly Invitae), Labcorp
Classification: Uncertain significance. Last evaluated: 2025-10-18. Review status: criteria provided, single submitter. Criteria: Invitae Variant Classification Sherloc (09022015). Collection method: clinical testing. Allele origin: germline.
Comment: This sequence change replaces leucine, which is neutral and non-polar, with proline, which is neutral and non-polar, at codon 1573 of the POLE protein (p.Leu1573Pro). This variant is not present in population databases (gnomAD no frequency). This variant has not been reported in the literature in individuals affected with POLE-related conditions. ClinVar contains an entry for this variant (Variation ID: 1383812). Invitae Evidence Modeling of protein sequence and biophysical properties (such as structural, functional, and spatial information, amino acid conservation, physicochemical variation, residue mobility, and thermodynamic stability) indicates that this missense variant is not expected to disrupt POLE protein function with a negative predictive value of 80%. In summary, the available evidence is currently insufficient to determine the role of this variant in disease. Therefore, it has been classified as a Variant of Uncertain Significance.

NM_006231.4(POLE):c.4718T>C (p.Leu1573Pro)

Gene: POLE (DNA polymerase epsilon, catalytic subunit; minus strand). Cytogenetic location: 12q24.33.
Variant type: single nucleotide variant.
Coding change: c.4718T>C on transcript NM_006231.4 (MANE Select); coding-DNA position 4718, T replaced by C.
Protein change: p.Leu1573Pro; replaces leucine 1573 with proline.
Molecular consequence: missense variant.
Genome position (GRCh38, 1-based): chr12:132,642,830, A>G on the plus strand (T>C on the coding strand, the complement: POLE is on the minus strand). VCF-style: chr12-132642830-A-G. GRCh37 (hg19) VCF-style: chr12-133219416-A-G.
Other names: short protein forms L1573P.
Identifiers: ClinVar variation 1383812 (VCV001383812.8), dbSNP rs2138538653, ClinGen allele CA387378629.